The following is an entry in ClinVar:

ClinVar aggregate classification (germline): Uncertain significance. Review status: criteria provided, multiple submitters, no conflicts (2 of 4 stars). 3 submissions from 3 submitters: Uncertain significance (3). Last evaluated 2024-04-01.

Conditions:
Inborn genetic diseases. Identifiers: MedGen C0950123, MeSH D030342.

Allele frequency attached by ClinVar (database versions not stated): TOPMed 0.00006; gnomAD 0.00008; gnomAD exomes 0.00012 and 0.00019; ExAC 0.00014.
gnomAD v4.1: 292 of 1,613,256 alleles (0.018%); highest among the groups gnomAD compares: Non-Finnish European, 0.023%; no homozygotes.

Submissions (3):

CeGaT Center for Human Genetics Tuebingen
Classification: Uncertain significance. Last evaluated: 2024-04-01. Review status: criteria provided, single submitter. Criteria: CeGaT Center For Human Genetics Tuebingen Variant Classification Criteria Version 2. Collection method: clinical testing. Allele origin: germline. Affected: yes. Observed: 1 variant allele.
Comment: STRA6: PM2, BP4

Ambry Genetics
Classification: Uncertain significance for Inborn genetic diseases. Last evaluated: 2023-12-06. Review status: criteria provided, single submitter. Criteria: Ambry Variant Classification Scheme 2023. Collection method: clinical testing. Allele origin: germline.

Eurofins Ntd Llc (ga)
Classification: Uncertain significance. Last evaluated: 2017-09-28. Review status: criteria provided, single submitter. Criteria: EGL Classification Definitions 2015. Collection method: clinical testing. Allele origin: germline. Observed: 1 variant allele, 1 heterozygote.

NM_022369.4(STRA6):c.842A>G (p.His281Arg)

Gene: STRA6 (signaling receptor and transporter of retinol STRA6; minus strand). Cytogenetic location: 15q24.1.
Variant type: single nucleotide variant.
Coding change: c.842A>G on transcript NM_022369.4 (MANE Select); coding-DNA position 842, A replaced by G.
Protein change: p.His281Arg; replaces histidine 281 with arginine.
Molecular consequence: missense variant.
Genome position (GRCh38, 1-based): chr15:74,191,190, T>C on the plus strand (A>G on the coding strand, the complement: STRA6 is on the minus strand). VCF-style: chr15-74191190-T-C. GRCh37 (hg19) VCF-style: chr15-74483531-T-C.
Other names: c.842A>G, p.His281Arg (NM_001142617.2, NM_001142618.2); c.815A>G, p.His272Arg (NM_001142619.2); c.953A>G, p.His318Arg (NM_001199040.2); c.887A>G, p.His296Arg (NM_001199041.2); c.959A>G, p.His320Arg (NM_001199042.2); c.842A>G (NM_022369.3); short protein forms H281R, H320R, H272R, H296R, H318R.
Identifiers: ClinVar variation 594031 (VCV000594031.26), dbSNP rs781618105, ClinGen allele CA7654832.